The following is an entry in ClinVar:

NM_001291303.3(FAT4):c.1237A>G (p.Lys413Glu)

Gene: FAT4 (FAT atypical cadherin 4; plus strand). Cytogenetic location: 4q28.1.
Variant type: single nucleotide variant.
Coding change: c.1237A>G on transcript NM_001291303.3 (MANE Select); coding-DNA position 1237, A replaced by G.
Protein change: p.Lys413Glu; replaces lysine 413 with glutamic acid.
Molecular consequence: missense variant.
Genome position (GRCh38, 1-based): chr4:125,317,648, A>G. VCF-style: chr4-125317648-A-G. GRCh37 (hg19) VCF-style: chr4-126238803-A-G.
Other names: c.1237A>G, p.Lys413Glu (NM_001291285.3, NM_024582.6); short protein forms K413E.
Identifiers: ClinVar variation 451794 (VCV000451794.6), dbSNP rs1471306819, ClinGen allele CA358117488.

ClinVar aggregate classification (germline): Uncertain significance. Review status: criteria provided, multiple submitters, no conflicts (2 of 4 stars). 2 submissions from 2 submitters: Uncertain significance (2). Last evaluated 2021-12-19.

Allele frequency attached by ClinVar (database versions not stated): TOPMed below 0.00001; gnomAD 0.00001; gnomAD exomes below 0.00001 and 0.00001.
gnomAD v4.1: 11 of 1,613,982 alleles (0.00068%); highest among the groups gnomAD compares: East Asian, 0.0022%; no homozygotes.

Submissions (2):

Labcorp Genetics (formerly Invitae), Labcorp
Classification: Uncertain significance. Last evaluated: 2021-12-19. Review status: criteria provided, single submitter. Criteria: Invitae Variant Classification Sherloc (09022015). Collection method: clinical testing. Allele origin: germline.
Comment: This variant is present in population databases (no rsID available, gnomAD 0.0009%). This sequence change replaces lysine, which is basic and polar, with glutamic acid, which is acidic and polar, at codon 413 of the FAT4 protein (p.Lys413Glu). This variant has not been reported in the literature in individuals affected with FAT4-related conditions. ClinVar contains an entry for this variant (Variation ID: 451794). Advanced modeling of protein sequence and biophysical properties (such as structural, functional, and spatial information, amino acid conservation, physicochemical variation, residue mobility, and thermodynamic stability) performed at Invitae indicates that this missense variant is not expected to disrupt FAT4 protein function. In summary, the available evidence is currently insufficient to determine the role of this variant in disease. Therefore, it has been classified as a Variant of Uncertain Significance.

GeneDx
Classification: Uncertain significance. Last evaluated: 2017-09-11. Review status: criteria provided, single submitter. Criteria: GeneDx Variant Classification (06012015). Collection method: clinical testing. Allele origin: germline. Affected: yes.
Comment: A variant of uncertain significance has been identified in the FAT4 gene. The K413E variant has not been published as a pathogenic variant, nor has it been reported as a benign variant to our knowledge. The K413E variant is not observed in large population cohorts (Lek et al., 2016; 1000 Genomes Consortium et al., 2015; Exome Variant Server). The K413E variant is a non-conservative amino acid substitution, which is likely to impact secondary protein structure as these residues differ in polarity, charge, size and/or other properties. This substitution occurs at a position that is conserved in mammals. However, in silico analysis is inconsistent in its predictions as to whether or not the variant is damaging to the protein structure/function. Therefore, based on the currently available information, it is unclear whether this variant is a pathogenic variant or a rare benign variant.